The following is an entry in ClinVar:

NM_001135254.2(PAX7):c.918G>A (p.Pro306=)

Gene: PAX7 (paired box 7; plus strand). Cytogenetic location: 1p36.13.
Variant type: single nucleotide variant.
Coding change: c.918G>A on transcript NM_001135254.2 (MANE Select); coding-DNA position 918, G replaced by A.
Protein change: p.Pro306=; no amino-acid change (proline 306 retained).
Molecular consequence: synonymous variant.
Genome position (GRCh38, 1-based): chr1:18,700,784, G>A. VCF-style: chr1-18700784-G-A. GRCh37 (hg19) VCF-style: chr1-19027278-G-A.
Other names: c.918G>A, p.Pro306= (NM_002584.3); c.912G>A, p.Pro304= (NM_013945.3).
Identifiers: ClinVar variation 2638405 (VCV002638405.24), dbSNP rs374991984, ClinGen allele CA645822.

ClinVar aggregate classification (germline): Likely benign (1 of 4 stars; one submission).

Allele frequency attached by ClinVar (database versions not stated): ESP Exome Variant Server 0.00008; gnomAD 0.00008; gnomAD exomes 0.00008; TOPMed 0.00009; 1000 Genomes Project 30x 0.00016; 1000 Genomes Project 0.00020; ExAC 0.00021.
gnomAD v4.1: 141 of 1,573,466 alleles (0.009%); highest among the groups gnomAD compares: South Asian, 0.058%; no homozygotes.

Submission:

CeGaT Center for Human Genetics Tuebingen
Classification: Likely benign. Last evaluated: 2023-07-01. Review status: criteria provided, single submitter. Criteria: CeGaT Center For Human Genetics Tuebingen Variant Classification Criteria Version 2. Collection method: clinical testing. Allele origin: germline. Affected: yes. Observed: 1 variant allele.
Comment: PAX7: BP4, BP7